The following is an entry in ClinVar:

NM_022124.6(CDH23):c.5654G>A (p.Arg1885His)

Gene: CDH23 (cadherin related 23; plus strand). Cytogenetic location: 10q22.1.
Variant type: single nucleotide variant.
Coding change: c.5654G>A on transcript NM_022124.6 (MANE Select); coding-DNA position 5654, G replaced by A.
Protein change: p.Arg1885His; replaces arginine 1885 with histidine.
Molecular consequence: missense variant.
Genome position (GRCh38, 1-based): chr10:71,785,042, G>A. VCF-style: chr10-71785042-G-A. GRCh37 (hg19) VCF-style: chr10-73544799-G-A.
Other names: c.5654G>A (NM_022124.5); short protein forms R1885H.
Identifiers: ClinVar variation 2184490 (VCV002184490.3), dbSNP rs539839828, ClinGen allele CA5545827.

ClinVar aggregate classification (germline): Uncertain significance. Review status: criteria provided, multiple submitters, no conflicts (2 of 4 stars). 3 submissions from 3 submitters: Uncertain significance (3). Last evaluated 2024-10-29.

Conditions:
Inborn genetic diseases. Identifiers: MedGen C0950123, MeSH D030342.

Allele frequency attached by ClinVar (database versions not stated): TOPMed 0.00001; ExAC 0.00002; gnomAD 0.00003; 1000 Genomes Project 0.00020; 1000 Genomes Project 30x 0.00031.
gnomAD v4.1: 17 of 1,614,080 alleles (0.0011%); highest among the groups gnomAD compares: African/African-American, 0.0053%; no homozygotes.

Submissions (3):

Ambry Genetics
Classification: Uncertain significance for Inborn genetic diseases. Last evaluated: 2024-10-29. Review status: criteria provided, single submitter. Criteria: Ambry Variant Classification Scheme 2023. Collection method: clinical testing. Allele origin: germline.

Labcorp Genetics (formerly Invitae), Labcorp
Classification: Uncertain significance. Last evaluated: 2022-07-19. Review status: criteria provided, single submitter. Criteria: Invitae Variant Classification Sherloc (09022015). Collection method: clinical testing. Allele origin: germline.
Comment: This sequence change replaces arginine, which is basic and polar, with histidine, which is basic and polar, at codon 1885 of the CDH23 protein (p.Arg1885His). This variant is present in population databases (rs539839828, gnomAD 0.02%). This variant has not been reported in the literature in individuals affected with CDH23-related conditions. Algorithms developed to predict the effect of missense changes on protein structure and function are either unavailable or do not agree on the potential impact of this missense change (SIFT: "Tolerated"; PolyPhen-2: "Not Available"; Align-GVGD: "Class C0"). In summary, the available evidence is currently insufficient to determine the role of this variant in disease. Therefore, it has been classified as a Variant of Uncertain Significance.

Blueprint Genetics
Classification: Uncertain significance. Last evaluated: 2019-12-18. Review status: criteria provided, single submitter. Criteria: ACMG Guidelines, 2015. Collection method: clinical testing. Allele origin: germline.